The following is an entry in ClinVar:

NM_000214.3(JAG1):c.501G>C (p.Trp167Cys)

Gene: JAG1 (jagged canonical Notch ligand 1; minus strand). Cytogenetic location: 20p12.2.
Variant type: single nucleotide variant.
Coding change: c.501G>C on transcript NM_000214.3 (MANE Select); coding-DNA position 501, G replaced by C.
Protein change: p.Trp167Cys; replaces tryptophan 167 with cysteine.
Molecular consequence: missense variant.
Genome position (GRCh38, 1-based): chr20:10,658,661, C>G on the plus strand (G>C on the coding strand, the complement: JAG1 is on the minus strand). VCF-style: chr20-10658661-C-G. GRCh37 (hg19) VCF-style: chr20-10639309-C-G.
Other names: short protein forms W167C.
Identifiers: ClinVar variation 3573318 (VCV003573318.2).

Conditions:
Arteriohepatic dysplasia. Also called: Alagille Syndrome. Identifiers: Orphanet 52, MedGen C0085280, MeSH D016738, MONDO:0007318.

Submission:

Gilbert/Spinner Lab, Children's Hospital of Philadelphia
No classification provided (evidence only). Condition: Alagille syndrome. Review status: no classification provided. Collection method: research. Allele origin: not applicable. Functional consequence: functionally_abnormal.
ClinVar note: "not provided" was previously submitted as the classification for the variant. However, the classification appeared to be based only on an observation of functional data so it was converted to no classification on 2025-07-30.